The following is an entry in ClinVar:

NM_005359.6(SMAD4):c.293T>G (p.Leu98Arg)

Gene: SMAD4 (SMAD family member 4; plus strand). Cytogenetic location: 18q21.2.
Variant type: single nucleotide variant.
Coding change: c.293T>G on transcript NM_005359.6 (MANE Select); coding-DNA position 293, T replaced by G.
Protein change: p.Leu98Arg; replaces leucine 98 with arginine.
Molecular consequence: missense variant.
Genome position (GRCh38, 1-based): chr18:51,048,729, T>G. VCF-style: chr18-51048729-T-G. GRCh37 (hg19) VCF-style: chr18-48575099-T-G.
Other names: c.293T>G, p.Leu98Arg (NM_001407041.1, NM_001407042.1, NM_001407043.1); short protein forms L98R.
Identifiers: ClinVar variation 1805611 (VCV001805611.1), dbSNP rs2144405348, ClinGen allele CA402458260.
Genomic context (GRCh38, chr18:51,048,729, plus strand): 5'-GTCGTTTATTTTTCTAGGTGGCTGGTCGGAAAGGATTTCCTCATGTGATCTATGCCCGTC[T>G]CTGGAGGTGGCCTGATCTTCACAAAAATGAACTAAAACATGTTAAATATTGTCAGTATGC-3'
Protein context (NP_005350.1, residues 88-108): KGFPHVIYAR[Leu98Arg]WRWPDLHKNE

ClinVar aggregate classification (germline): Uncertain significance (1 of 4 stars; one submission).

Conditions:
Juvenile polyposis/hereditary hemorrhagic telangiectasia syndrome (JPHT). Also called: JP/HHT SYNDROME; JUVENILE POLYPOSIS WITH HEREDITARY HEMORRHAGIC TELANGIECTASIA; POLYPOSIS, GENERALIZED JUVENILE, WITH PULMONARY ARTERIOVENOUS MALFORMATION; TELANGIECTASIA, HEREDITARY HEMORRHAGIC, WITH JUVENILE POLYPOSIS COLI; Juvenile Polyposis Syndrome / Hereditary Hemorrhagic Telangiectasia (JPS/HHT). Identifiers: Orphanet 2929, MedGen C1832942, MONDO:0008278, OMIM 175050.

Submission:

Victorian Clinical Genetics Services, Murdoch Childrens Research Institute
Classification: Uncertain significance for Juvenile polyposis/hereditary hemorrhagic telangiectasia syndrome. Last evaluated: 2021-05-06. Review status: criteria provided, single submitter. Criteria: ACMG Guidelines, 2015. Collection method: clinical testing. Allele origin: germline. Inheritance: Autosomal dominant inheritance.
Comment: Based on the classification scheme VCGS_Germline_v1.3.4, this variant is classified as 3A-VUS. Following criteria are met: 0103 - Loss of function and gain of function are known mechanisms of disease in this gene and are associated with juvenile polyposis and hereditary hemorrhagic telangiectasia syndrome (MIM#175050) and Myhre syndrome (MIM#139210), respectively (PMID: 31837202). (I) 0107 - This gene is associated with autosomal dominant disease. (I) 0200 - Variant is predicted to result in a missense amino acid change from leucine to arginine. (I) 0301 - Variant is absent from gnomAD (both v2 and v3). (SP) 0501 - Missense variant consistently predicted to be damaging by multiple in silico tools or highly conserved with a major amino acid change. (SP) 0603 - Missense variant in a region that is highly intolerant to missense variation (high constraint region in DECIPHER). (SP) 0705 - No comparable missense variants have previous evidence for pathogenicity. (I) 0807 - This variant has no previous evidence of pathogenicity. (I) 0905 - No published segregation evidence has been identified for this variant. (I) 1007 - No published functional evidence has been identified for this variant. (I) Legend: (SP) - Supporting pathogenic, (I) - Information, (SB) - Supporting benign

Literature cited by the submitters: PubMed 31837202.